The following is an entry in ClinVar:

NM_000455.5(STK11):c.971C>G (p.Pro324Arg)

Gene: STK11 (serine/threonine kinase 11; plus strand). Cytogenetic location: 19p13.3.
Variant type: single nucleotide variant.
Coding change: c.971C>G on transcript NM_000455.5 (MANE Select); coding-DNA position 971, C replaced by G.
Protein change: p.Pro324Arg; replaces proline 324 with arginine.
Molecular consequence: missense variant.
Genome position (GRCh38, 1-based): chr19:1,223,035, C>G. VCF-style: chr19-1223035-C-G. GRCh37 (hg19) VCF-style: chr19-1223034-C-G.
Other names: short protein forms P324R.
Identifiers: ClinVar variation 485019 (VCV000485019.17), dbSNP rs367807476, ClinGen allele CA402951579.

ClinVar aggregate classification (germline): Uncertain significance. Review status: criteria provided, multiple submitters, no conflicts (2 of 4 stars). 4 submissions from 4 submitters: Uncertain significance (4). Last evaluated 2025-04-27.

Conditions:
Hereditary cancer-predisposing syndrome. Also called: Hereditary neoplastic syndrome; Neoplastic Syndromes, Hereditary; Tumor predisposition; Hereditary Cancer Syndrome. Identifiers: Orphanet 140162, MedGen C0027672, MeSH D009386, MONDO:0015356.
Peutz-Jeghers syndrome (PJS). Also called: POLYPOSIS, HAMARTOMATOUS INTESTINAL; POLYPS-AND-SPOTS SYNDROME; Peutz-Jeghers polyposis; Periorificial lentiginosis syndrome. Identifiers: Orphanet 2869, MedGen C0031269, MeSH D010580, MONDO:0008280, OMIM 175200.

Submissions (4):

Labcorp Genetics (formerly Invitae), Labcorp
Classification: Uncertain significance for Peutz-Jeghers syndrome. Last evaluated: 2025-04-27. Review status: criteria provided, single submitter. Criteria: Invitae Variant Classification Sherloc (09022015). Collection method: clinical testing. Allele origin: germline.
Comment: This sequence change replaces proline, which is neutral and non-polar, with arginine, which is basic and polar, at codon 324 of the STK11 protein (p.Pro324Arg). This variant is not present in population databases (gnomAD no frequency). This variant has not been reported in the literature in individuals affected with STK11-related conditions. ClinVar contains an entry for this variant (Variation ID: 485019). Invitae Evidence Modeling of protein sequence and biophysical properties (such as structural, functional, and spatial information, amino acid conservation, physicochemical variation, residue mobility, and thermodynamic stability) has been performed for this missense variant. However, the output from this modeling did not meet the statistical confidence thresholds required to predict the impact of this variant on STK11 protein function. In summary, the available evidence is currently insufficient to determine the role of this variant in disease. Therefore, it has been classified as a Variant of Uncertain Significance.

Ambry Genetics
Classification: Uncertain significance for Hereditary cancer-predisposing syndrome. Last evaluated: 2024-10-21. Review status: criteria provided, single submitter. Criteria: Ambry Variant Classification Scheme 2023. Collection method: clinical testing. Allele origin: germline.
Comment: The p.P324R variant (also known as c.971C>G), located in coding exon 8 of the STK11 gene, results from a C to G substitution at nucleotide position 971. The proline at codon 324 is replaced by arginine, an amino acid with dissimilar properties. This amino acid position is well conserved in available vertebrate species. In addition, the in silico prediction for this alteration is inconclusive. Based on the available evidence, the clinical significance of this variant remains unclear.

Genome-Nilou Lab
Classification: Uncertain significance for Peutz-Jeghers syndrome. Last evaluated: 2021-07-15. Review status: criteria provided, single submitter. Criteria: ACMG Guidelines, 2015. Collection method: clinical testing. Allele origin: germline. Affected: no.

GeneDx
Classification: Uncertain significance. Last evaluated: 2021-03-15. Review status: criteria provided, single submitter. Criteria: GeneDx Variant Classification Process June 2021. Collection method: clinical testing. Allele origin: germline. Affected: yes.
Comment: Not observed in large population cohorts (Lek et al., 2016); In silico analysis supports that this missense variant has a deleterious effect on protein structure/function; Has not been previously published as pathogenic or benign to our knowledge